The following is an entry in ClinVar:

NM_024422.6(DSC2):c.2545C>T (p.His849Tyr)

Gene: DSC2 (desmocollin 2; minus strand). Cytogenetic location: 18q12.1.
Variant type: single nucleotide variant.
Coding change: c.2545C>T on transcript NM_024422.6 (MANE Select); coding-DNA position 2545, C replaced by T.
Protein change: p.His849Tyr; replaces histidine 849 with tyrosine.
Molecular consequence: missense variant. On other transcripts: 3 prime UTR variant (1).
Genome position (GRCh38, 1-based): chr18:31,068,176, G>A on the plus strand (C>T on the coding strand, the complement: DSC2 is on the minus strand). VCF-style: chr18-31068176-G-A. GRCh37 (hg19) VCF-style: chr18-28648142-G-A.
Other names: c.*47C>T (NM_004949.5); short protein forms H849Y.
Identifiers: ClinVar variation 1486344 (VCV001486344.9), dbSNP rs1312909126, ClinGen allele CA402110777.

ClinVar aggregate classification (germline): Uncertain significance. Review status: criteria provided, multiple submitters, no conflicts (2 of 4 stars). 3 submissions from 3 submitters: Uncertain significance (3). Last evaluated 2025-06-17.

Conditions:
Cardiomyopathy (CMYO). Also called: Cardiomyopathies. Identifiers: Orphanet 167848, MedGen C0878544, MONDO:0004994, HP:0001638. Inheritance: Various modes of inheritance.
Arrhythmogenic right ventricular dysplasia 11. Also called: Arrhythmogenic right ventricular dysplasia 11 with mild palmoplantar keratoderma and woolly hair; Arrhythmogenic Right Ventricular Dysplasia/Cardiomyopathy11; ARRHYTHMOGENIC RIGHT VENTRICULAR DYSPLASIA, FAMILIAL, 11. Identifiers: MedGen C1864850, MONDO:0012506, OMIM 610476.

Allele frequency attached by ClinVar (database versions not stated): TOPMed below 0.00001; gnomAD 0.00001.
gnomAD v4.1: 1 of 1,613,944 alleles (0.000062%); highest among the groups gnomAD compares: Non-Finnish European, 0.000085%; no homozygotes.

Submissions (3):

Color Diagnostics, LLC DBA Color Health
Classification: Uncertain significance for Cardiomyopathy. Last evaluated: 2025-06-17. Review status: criteria provided, single submitter. Criteria: ACMG Guidelines, 2015. Collection method: clinical testing. Allele origin: germline.
Comment: This missense variant replaces histidine with tyrosine at codon 849 of the DSC2 protein. Computational prediction suggests that this variant may not impact protein structure and function. To our knowledge, functional studies have not been reported for this variant. This variant has not been reported in individuals affected with DSC2-related disorders in the literature. This variant has not been identified in the general population by the Genome Aggregation Database (gnomAD). The available evidence is insufficient to determine the role of this variant in disease conclusively. Therefore, this variant is classified as a Variant of Uncertain Significance.

Labcorp Genetics (formerly Invitae), Labcorp
Classification: Uncertain significance for Arrhythmogenic right ventricular dysplasia 11. Last evaluated: 2022-08-06. Review status: criteria provided, single submitter. Criteria: Invitae Variant Classification Sherloc (09022015). Collection method: clinical testing. Allele origin: germline.
Comment: This variant has not been reported in the literature in individuals affected with DSC2-related conditions. This variant is not present in population databases (gnomAD no frequency). This sequence change replaces histidine, which is basic and polar, with tyrosine, which is neutral and polar, at codon 849 of the DSC2 protein (p.His849Tyr). ClinVar contains an entry for this variant (Variation ID: 1486344). In summary, the available evidence is currently insufficient to determine the role of this variant in disease. Therefore, it has been classified as a Variant of Uncertain Significance. Algorithms developed to predict the effect of sequence changes on RNA splicing suggest that this variant may create or strengthen a splice site. Algorithms developed to predict the effect of missense changes on protein structure and function are either unavailable or do not agree on the potential impact of this missense change (SIFT: "Tolerated"; PolyPhen-2: "Possibly Damaging"; Align-GVGD: "Class C0").

Fulgent Genetics
Classification: Uncertain significance for Arrhythmogenic right ventricular dysplasia 11. Last evaluated: 2021-12-08. Review status: criteria provided, single submitter. Criteria: ACMG Guidelines, 2015. Collection method: clinical testing. Allele origin: unknown.